The following is an entry in ClinVar:

ClinVar aggregate classification (germline): Likely pathogenic. Review status: criteria provided, multiple submitters, no conflicts (2 of 4 stars). 2 submissions from 2 submitters: Likely pathogenic (2). Last evaluated 2025-07-09.

Conditions:
Neurodevelopmental disorder with cerebellar atrophy and motor dysfunction. Identifiers: MedGen C5543427, MONDO:0859152, OMIM 619333.

Submissions (2):

First Genomix Gene Laboratory, Genetic Diagnostics Department
Classification: Likely pathogenic for Neurodevelopmental disorder with cerebellar atrophy and motor dysfunction. Last evaluated: 2025-07-09. Review status: criteria provided, single submitter. Criteria: ACMG Guidelines, 2015. Collection method: clinical testing. Allele origin: germline. Inheritance: Autosomal recessive inheritance. Affected: no. Observed: 1 variant allele.

3billion
Classification: Likely pathogenic for Neurodevelopmental disorder with cerebellar atrophy and motor dysfunction. Last evaluated: 2023-08-11. Review status: criteria provided, single submitter. Criteria: ACMG Guidelines, 2015. Collection method: clinical testing. Allele origin: germline. Affected: yes.
Comment: The variant is observed at an extremely low frequency in the gnomAD v2.1.1 dataset (total allele frequency: 0.008%). Predicted Consequence/Location: Canonical splice site: predicted to alter splicing and result in a loss or disruption of normal protein function. Multiple pathogenic loss-of-function variants are reported downstream of the variant. Therefore, this variant is classified as Likely pathogenic according to the recommendation of ACMG/AMP guideline.

NM_015465.5(GEMIN5):c.167-3_167-2del

Gene: GEMIN5 (gem nuclear organelle associated protein 5; minus strand). Cytogenetic location: 5q33.2.
Variant type: Deletion.
Coding change: c.167-3_167-2del on transcript NM_015465.5 (MANE Select); 3 bases into the intron before coding-DNA position 167 through the canonical splice acceptor site of the intron before coding-DNA position 167, 2 bases deleted (AA; older notation c.167-3_167-2delAA).
Molecular consequence: splice acceptor variant.
Genome position (GRCh38, 1-based): chr5:154,937,187-154,937,188, TT deleted on the plus strand (AA on the coding strand, the reverse complement: GEMIN5 is on the minus strand); deleting any 2 consecutive bases within chr5:154,937,187-154,937,189 gives the same sequence; the c. name uses the placement nearest the transcript's 3' end. VCF-style (leftmost placement, unchanged base first): chr5-154937186-CTT-C. GRCh37 (hg19) VCF-style: chr5-154316746-CTT-C.
Other names: c.167-3_167-2del (NM_001252156.2); c.167-3_167-2delAA (NM_015465.5).
Identifiers: ClinVar variation 3776223 (VCV003776223.2).